The following is an entry in ClinVar:

NM_003803.4(MYOM1):c.812A>T (p.Asp271Val)

Gene: MYOM1 (myomesin 1; minus strand). Cytogenetic location: 18p11.31.
Variant type: single nucleotide variant.
Coding change: c.812A>T on transcript NM_003803.4 (MANE Select); coding-DNA position 812, A replaced by T.
Protein change: p.Asp271Val; replaces aspartic acid 271 with valine.
Molecular consequence: missense variant.
Genome position (GRCh38, 1-based): chr18:3,187,597, T>A on the plus strand (A>T on the coding strand, the complement: MYOM1 is on the minus strand). VCF-style: chr18-3187597-T-A. GRCh37 (hg19) VCF-style: chr18-3187595-T-A.
Other names: c.812A>T, p.Asp271Val (NM_019856.2); short protein forms D271V.
Identifiers: ClinVar variation 3916551 (VCV003916551.1).

ClinVar aggregate classification (germline): Uncertain significance (1 of 4 stars; one submission).

Submission:

Ambry Genetics
Classification: Uncertain significance. Last evaluated: 2025-04-23. Review status: criteria provided, single submitter. Criteria: Ambry Variant Classification Scheme 2023. Collection method: clinical testing. Allele origin: germline.
Comment: The p.D271V variant (also known as c.812A>T), located in coding exon 4 of the MYOM1 gene, results from an A to T substitution at nucleotide position 812. The aspartic acid at codon 271 is replaced by valine, an amino acid with highly dissimilar properties. This amino acid position is conserved. In addition, the in silico prediction for this alteration is inconclusive. Based on the available evidence, the clinical significance of this variant remains unclear.